The following is an entry in ClinVar:

NM_024408.4(NOTCH2):c.6562G>A (p.Ala2188Thr)

Gene: NOTCH2 (notch receptor 2; minus strand). Cytogenetic location: 1p12.
Variant type: single nucleotide variant.
Coding change: c.6562G>A on transcript NM_024408.4 (MANE Select); coding-DNA position 6562, G replaced by A.
Protein change: p.Ala2188Thr; replaces alanine 2188 with threonine.
Molecular consequence: missense variant.
Genome position (GRCh38, 1-based): chr1:119,916,160, C>T on the plus strand (G>A on the coding strand, the complement: NOTCH2 is on the minus strand). VCF-style: chr1-119916160-C-T. GRCh37 (hg19) VCF-style: chr1-120458783-C-T.
Other names: c.6562G>A (NM_024408.3); short protein forms A2188T.
Identifiers: ClinVar variation 594888 (VCV000594888.20), dbSNP rs139052054, ClinGen allele CA1039404.
Genomic context (GRCh38, chr1:119,916,160, plus strand): 5'-GCATTTCATGAAGGTTAGAAAAAGATAGTGCATGCTGGGCATGGACTGGGGCAGGAGGGG[C>T]GGCAGTGGCCAACATAGGGTTGGGTGAGGCCTGTAAGATCCCAGGGGATGTAATCATTGG-3'
Protein context (NP_077719.2, residues 2178-2198): ASPNPMLATA[Ala2188Thr]PPAPVHAQHA

ClinVar aggregate classification (germline): Conflicting classifications of pathogenicity. Review status: criteria provided, conflicting classifications (1 of 4 stars). 7 submissions from 7 submitters: Uncertain significance (4); Likely benign (2). 1 of the submissions does not count toward it. Last evaluated 2025-01-09.

Conditions:
Hajdu-Cheney syndrome (HJCYS). Also called: Acroosteolysis dominant type; ACROOSTEOLYSIS WITH OSTEOPOROSIS AND CHANGES IN SKULL AND MANDIBLE; SERPENTINE FIBULA-POLYCYSTIC KIDNEY SYNDROME. Identifiers: Orphanet 955, MedGen C0917715, MONDO:0007057, OMIM 102500.
NOTCH2-related disorder. Also called: NOTCH2-related condition.
Inborn genetic diseases. Identifiers: MedGen C0950123, MeSH D030342.
Alagille syndrome due to a NOTCH2 point mutation. Also called: Alagille syndrome 2. Identifiers: Orphanet 261629, Orphanet 52, MedGen C1857761, MONDO:0012439, OMIM 610205.

Allele frequency attached by ClinVar (database versions not stated): gnomAD 0.00001 and 0.00002; ExAC 0.00002; TOPMed 0.00002; gnomAD exomes 0.00003; ESP Exome Variant Server 0.00008; 1000 Genomes Project 30x 0.00016; 1000 Genomes Project 0.00020.
gnomAD v4.1: 40 of 1,614,154 alleles (0.0025%); highest among the groups gnomAD compares: Admixed American, 0.015%; no homozygotes.

Submissions (7):

Ambry Genetics
Classification: Likely benign for Inborn genetic diseases. Last evaluated: 2025-01-09. Review status: criteria provided, single submitter. Criteria: Ambry Variant Classification Scheme 2023. Collection method: clinical testing. Allele origin: germline.

Labcorp Genetics (formerly Invitae), Labcorp
Classification: Uncertain significance for Hajdu-Cheney syndrome. Last evaluated: 2024-11-30. Review status: criteria provided, single submitter. Criteria: Invitae Variant Classification Sherloc (09022015). Collection method: clinical testing. Allele origin: germline.
Comment: This sequence change replaces alanine, which is neutral and non-polar, with threonine, which is neutral and polar, at codon 2188 of the NOTCH2 protein (p.Ala2188Thr). This variant is present in population databases (rs139052054, gnomAD 0.01%). This variant has not been reported in the literature in individuals affected with NOTCH2-related conditions. ClinVar contains an entry for this variant (Variation ID: 594888). Invitae Evidence Modeling of protein sequence and biophysical properties (such as structural, functional, and spatial information, amino acid conservation, physicochemical variation, residue mobility, and thermodynamic stability) indicates that this missense variant is not expected to disrupt NOTCH2 protein function with a negative predictive value of 80%. In summary, the available evidence is currently insufficient to determine the role of this variant in disease. Therefore, it has been classified as a Variant of Uncertain Significance.

Fulgent Genetics
Classification: Likely benign for Hajdu-Cheney syndrome; Alagille syndrome due to a NOTCH2 point mutation. Last evaluated: 2024-02-17. Review status: criteria provided, single submitter. Criteria: ACMG Guidelines, 2015. Collection method: clinical testing. Allele origin: germline.

Revvity Omics, Revvity
Classification: Uncertain significance. Last evaluated: 2021-08-10. Review status: criteria provided, single submitter. Criteria: ACMG Guidelines, 2015. Collection method: clinical testing. Allele origin: germline.

Eurofins Ntd Llc (ga)
Classification: Uncertain significance. Last evaluated: 2017-11-07. Review status: criteria provided, single submitter. Criteria: EGL Classification Definitions 2015. Collection method: clinical testing. Allele origin: germline. Observed: 1 variant allele, 1 heterozygote.

Breakthrough Genomics
Classification: Uncertain significance. Review status: criteria provided, single submitter. Criteria: ACMG Guidelines, 2015. Collection method: not provided. Allele origin: germline. Inheritance: Autosomal dominant inheritance. Affected: yes.

PreventionGenetics, part of Exact Sciences
Classification: Uncertain significance for NOTCH2-related condition. Last evaluated: 2024-09-13. Review status: no assertion criteria provided. Collection method: clinical testing. Allele origin: germline. Not counted in ClinVar's aggregate classification.
Comment: The NOTCH2 c.6562G>A variant is predicted to result in the amino acid substitution p.Ala2188Thr. To our knowledge, this variant has not been reported in the literature. This variant is reported in 0.011% of alleles in individuals of East Asian descent in gnomAD. At this time, the clinical significance of this variant is uncertain due to the absence of conclusive functional and genetic evidence.